The following is an entry in ClinVar:

ClinVar aggregate classification (germline): Uncertain significance (1 of 4 stars; one submission).

Submission:

Ambry Genetics
Classification: Uncertain significance. Last evaluated: 2025-05-23. Review status: criteria provided, single submitter. Criteria: Ambry Variant Classification Scheme 2023. Collection method: clinical testing. Allele origin: germline.
Comment: The p.D278E variant (also known as c.834C>G), located in coding exon 1 of the EGLN1 gene, results from a C to G substitution at nucleotide position 834. The aspartic acid at codon 278 is replaced by glutamic acid, an amino acid with highly similar properties. This amino acid position is conserved. In addition, this alteration is predicted to be tolerated by in silico analysis. Based on the available evidence, the clinical significance of this variant remains unclear.

NM_022051.3(EGLN1):c.834C>G (p.Asp278Glu)

Genes: EGLN1 (egl-9 family hypoxia inducible factor 1; minus strand), LOC129932769 (ATAC-STARR-seq lymphoblastoid active region 2730; plus strand). Cytogenetic location: 1q42.2.
Variant type: single nucleotide variant.
Coding change: c.834C>G on transcript NM_022051.3 (MANE Select); coding-DNA position 834, C replaced by G.
Protein change: p.Asp278Glu; replaces aspartic acid 278 with glutamic acid.
Molecular consequence: missense variant.
Genome position (GRCh38, 1-based): chr1:231,421,055, G>C on the plus strand (C>G on the coding strand, the complement: EGLN1 is on the minus strand). VCF-style: chr1-231421055-G-C. GRCh37 (hg19) VCF-style: chr1-231556801-G-C.
Other names: c.834C>G, p.Asp278Glu (NM_001377260.1, NM_001377261.1); short protein forms D278E.
Identifiers: ClinVar variation 4016872 (VCV004016872.1).